The following is an entry in ClinVar:

NM_004820.5(CYP7B1):c.392dup (p.Asn131fs)

Gene: CYP7B1 (cytochrome P450 family 7 subfamily B member 1; minus strand). Cytogenetic location: 8q12.3.
Variant type: Duplication.
Coding change: c.392dup on transcript NM_004820.5 (MANE Select); coding-DNA position 392, one base duplicated (A; older notation c.392dupA).
Protein change: p.Asn131fs; shifts the reading frame from asparagine 131.
Molecular consequence: frameshift variant.
Genome position (GRCh38, 1-based): chr8:64,616,149, T duplicated on the plus strand (A on the coding strand, the reverse complement: CYP7B1 is on the minus strand); the first of 7 consecutive T bases (chr8:64,616,149-64,616,155); duplicating any one gives the same sequence. VCF-style (leftmost placement, unchanged base first): chr8-64616148-A-AT. GRCh37 (hg19) VCF-style: chr8-65528705-A-AT.
Other names: c.392dupA (NM_004820.5, NM_004820.4); c.392dup, p.Asn131fs (NM_001324112.2); short protein forms N131fs.
Identifiers: ClinVar variation 850629 (VCV000850629.14), dbSNP rs748480664, ClinGen allele CA4764218.
Genomic context (GRCh38, chr8:64,616,148, plus strand): 5'-GTCCAAAGATTTGCCTTGCAAAAATTGATAGCAGAGGTGAAGCTCATCATTCATGTCATG[A>AT]TTTTTTTGCAACTGACTGATGCTAAATGCTTTCTCTAATAATTTATTAGAAAATACTCGA-3'

ClinVar aggregate classification (germline): Pathogenic. Review status: criteria provided, multiple submitters, no conflicts (2 of 4 stars). 5 submissions from 5 submitters: Pathogenic (5). Last evaluated 2026-06-09.

Conditions:
Spastic paraplegia. Identifiers: MedGen C0037772, HP:0001258.
Hereditary spastic paraplegia. Also called: Familial spastic paraparesis. Identifiers: Orphanet 685, MedGen C0037773, MONDO:0019064. Disease mechanism: loss of function.
CYP7B1-related disorder. Also called: CYP7B1-related condition.

Submissions (5):

PreventionGenetics, part of Exact Sciences
Classification: Pathogenic for CYP7B1-related condition. Last evaluated: 2026-06-09. Review status: criteria provided, single submitter. Criteria: ACMG Guidelines, 2015. Collection method: clinical testing. Allele origin: germline.
Comment: The CYP7B1 c.392dupA variant is predicted to result in a frameshift and premature protein termination (p.Asn131Lysfs*3). This variant was reported in the compound heterozygous and homozygous state in individuals with spastic paraplegia 5 (Supp Table 1 in Schöls et al 2017. PubMed ID: 29126212; Wan N et al 2021. PubMed ID: 34284285). This variant is reported in 0.0065% of alleles in individuals of South Asian descent in gnomAD. Frameshift variants in CYP7B1 are expected to be pathogenic. This variant is interpreted as pathogenic.

Labcorp Genetics (formerly Invitae), Labcorp
Classification: Pathogenic for Spastic paraplegia. Last evaluated: 2025-11-02. Review status: criteria provided, single submitter. Criteria: Invitae Variant Classification Sherloc (09022015). Collection method: clinical testing. Allele origin: germline.
Comment: This sequence change creates a premature translational stop signal (p.Asn131Lysfs*3) in the CYP7B1 gene. It is expected to result in an absent or disrupted protein product. Loss-of-function variants in CYP7B1 are known to be pathogenic (PMID: 9802883, 19363635, 19439420, 21541746, 21567895, 28039895). This variant is present in population databases (rs758777120, gnomAD 0.007%). This premature translational stop signal has been observed in individual(s) with hereditary spastic paraplegia (PMID: 29126212). ClinVar contains an entry for this variant (Variation ID: 850629). For these reasons, this variant has been classified as Pathogenic.

Women's Health and Genetics/Laboratory Corporation of America, LabCorp
Classification: Pathogenic for Hereditary spastic paraplegia. Last evaluated: 2025-07-23. Review status: criteria provided, single submitter. Criteria: LabCorp Variant Classification Summary - May 2015. Collection method: clinical testing. Allele origin: germline.
Comment: Variant summary: CYP7B1 c.392dupA (p.Asn131LysfsX3) results in a premature termination codon, predicted to cause a truncation of the encoded protein or absence of the protein due to nonsense mediated decay, which are commonly known mechanisms for disease. The variant allele was found at a frequency of 2e-05 in 250768 control chromosomes. c.392dupA has been observed in individual(s) affected with Congenital bile acid synthesis defect type 3 (example: Vij_2022). These data indicate that the variant may be associated with disease. The following publication has been ascertained in the context of this evaluation (PMID: 35580280). ClinVar contains an entry for this variant (Variation ID: 850629). Based on the evidence outlined above, the variant was classified as pathogenic.

GeneDx
Classification: Pathogenic. Last evaluated: 2025-07-09. Review status: criteria provided, single submitter. Criteria: GeneDx Variant Classification Process June 2021. Collection method: clinical testing. Allele origin: germline.
Comment: Frameshift variant predicted to result in protein truncation or nonsense mediated decay in a gene for which loss of function is a known mechanism of disease; Not observed at significant frequency in large population cohorts (gnomAD); This variant is associated with the following publications: (PMID: 34284285, 35580280, 31692161, 29126212, 32202070, 29228183)

Revvity Omics, Revvity
Classification: Pathogenic. Last evaluated: 2023-09-01. Review status: criteria provided, single submitter. Criteria: ACMG Guidelines, 2015. Collection method: clinical testing. Allele origin: germline.

Literature cited by the submitters: PubMed 9802883 (cited by Labcorp Genetics (formerly Invitae), Labcorp); PubMed 19363635 (cited by Labcorp Genetics (formerly Invitae), Labcorp); PubMed 19439420 (cited by Labcorp Genetics (formerly Invitae), Labcorp); PubMed 21541746 (cited by Labcorp Genetics (formerly Invitae), Labcorp); PubMed 21567895 (cited by Labcorp Genetics (formerly Invitae), Labcorp); PubMed 28039895 (cited by Labcorp Genetics (formerly Invitae), Labcorp); PubMed 29126212 (cited by Labcorp Genetics (formerly Invitae), Labcorp); PubMed 35580280 (cited by Women's Health and Genetics/Laboratory Corporation of America, LabCorp).